The following is an entry in ClinVar:

NM_017654.4(SAMD9):c.3587G>C (p.Gly1196Ala)

Gene: SAMD9 (sterile alpha motif domain containing 9; minus strand). Cytogenetic location: 7q21.2.
Variant type: single nucleotide variant.
Coding change: c.3587G>C on transcript NM_017654.4 (MANE Select); coding-DNA position 3587, G replaced by C.
Protein change: p.Gly1196Ala; replaces glycine 1196 with alanine.
Molecular consequence: missense variant.
Genome position (GRCh38, 1-based): chr7:93,102,511, C>G on the plus strand (G>C on the coding strand, the complement: SAMD9 is on the minus strand). VCF-style: chr7-93102511-C-G. GRCh37 (hg19) VCF-style: chr7-92731824-C-G.
Other names: c.3587G>C (NM_017654.3); c.3587G>C, p.Gly1196Ala (NM_001193307.2); short protein forms G1196A.
Identifiers: ClinVar variation 3700769 (VCV003700769.3).

ClinVar aggregate classification (germline): Uncertain significance. Review status: criteria provided, multiple submitters, no conflicts (2 of 4 stars). 2 submissions from 2 submitters: Uncertain significance (2). Last evaluated 2025-05-08.

Conditions:
Inborn genetic diseases. Identifiers: MedGen C0950123, MeSH D030342.

gnomAD v4.1: 10 of 1,613,728 alleles (0.00062%); highest among the groups gnomAD compares: Non-Finnish European, 0.00068%; no homozygotes.

Submissions (2):

Ambry Genetics
Classification: Uncertain significance for Inborn genetic diseases. Last evaluated: 2025-05-08. Review status: criteria provided, single submitter. Criteria: Ambry Variant Classification Scheme 2023. Collection method: clinical testing. Allele origin: germline.
Comment: The p.G1196A variant (also known as c.3587G>C), located in coding exon 1 of the SAMD9 gene, results from a G to C substitution at nucleotide position 3587. The glycine at codon 1196 is replaced by alanine, an amino acid with similar properties. This amino acid position is conserved. In addition, the in silico prediction for this alteration is inconclusive. Based on the available evidence, the clinical significance of this variant remains unclear.

Labcorp Genetics (formerly Invitae), Labcorp
Classification: Uncertain significance. Last evaluated: 2024-08-15. Review status: criteria provided, single submitter. Criteria: Invitae Variant Classification Sherloc (09022015). Collection method: clinical testing. Allele origin: germline.
Comment: This sequence change replaces glycine, which is neutral and non-polar, with alanine, which is neutral and non-polar, at codon 1196 of the SAMD9 protein (p.Gly1196Ala). This variant is present in population databases (rs760635054, gnomAD 0.0009%). This variant has not been reported in the literature in individuals affected with SAMD9-related conditions. Invitae Evidence Modeling of protein sequence and biophysical properties (such as structural, functional, and spatial information, amino acid conservation, physicochemical variation, residue mobility, and thermodynamic stability) has been performed for this missense variant. However, the output from this modeling did not meet the statistical confidence thresholds required to predict the impact of this variant on SAMD9 protein function. In summary, the available evidence is currently insufficient to determine the role of this variant in disease. Therefore, it has been classified as a Variant of Uncertain Significance.